The following is an entry in ClinVar:

NM_000059.4(BRCA2):c.355A>G (p.Thr119Ala)

Gene: BRCA2 (BRCA2 DNA repair associated; plus strand). Cytogenetic location: 13q13.1.
Variant type: single nucleotide variant.
Coding change: c.355A>G on transcript NM_000059.4 (MANE Select); coding-DNA position 355, A replaced by G.
Protein change: p.Thr119Ala; replaces threonine 119 with alanine.
Molecular consequence: missense variant. On other transcripts: non-coding transcript variant (1), 5 prime UTR variant (1).
Genome position (GRCh38, 1-based): chr13:32,325,114, A>G. VCF-style: chr13-32325114-A-G. GRCh37 (hg19) VCF-style: chr13-32899251-A-G.
Other names: c.355A>G, p.Thr119Ala (NM_001432077.1, NM_001406719.1, NM_001406720.1 and 1 more transcripts); c.-15A>G (NM_001406722.1); short protein forms T119A.
Identifiers: ClinVar variation 5033309 (VCV005033309.1).

ClinVar aggregate classification (germline): Uncertain significance (1 of 4 stars; one submission).

Conditions:
Hereditary cancer-predisposing syndrome. Also called: Neoplastic Syndromes, Hereditary; Tumor predisposition; Hereditary neoplastic syndrome; Hereditary Cancer Syndrome. Identifiers: Orphanet 140162, MedGen C0027672, MeSH D009386, MONDO:0015356.

Submission:

Ambry Genetics
Classification: Uncertain significance for Hereditary cancer-predisposing syndrome. Last evaluated: 2026-07-16. Review status: criteria provided, single submitter. Criteria: Ambry Variant Classification Scheme 2023. Collection method: clinical testing. Allele origin: germline.
Comment: The p.T119A variant (also known as c.355A>G), located in coding exon 3 of the BRCA2 gene, results from an A to G substitution at nucleotide position 355. The threonine at codon 119 is replaced by alanine, an amino acid with similar properties. This amino acid position is not well conserved in available vertebrate species. In addition, this alteration is predicted to be tolerated by in silico analysis. Based on the available evidence, the clinical significance of this variant remains unclear.